The following is an entry in ClinVar:

ClinVar aggregate classification (germline): Uncertain significance (1 of 4 stars; one submission).

Conditions:
Dyskeratosis congenita, autosomal recessive 5 (DKCB5). Identifiers: MedGen C3554656, MONDO:0014076, OMIM 615190.
Pulmonary fibrosis and/or bone marrow failure, Telomere-related, 3. Also called: PULMONARY FIBROSIS AND/OR BONE MARROW FAILURE SYNDROME, TELOMERE-RELATED, 3. Identifiers: Orphanet 2032, MedGen C4225346, MONDO:0014613, OMIM 616373.

Submission:

Labcorp Genetics (formerly Invitae), Labcorp
Classification: Uncertain significance for Dyskeratosis congenita, autosomal recessive 5; Pulmonary fibrosis and/or bone marrow failure, Telomere-related, 3. Last evaluated: 2024-03-16. Review status: criteria provided, single submitter. Criteria: Invitae Variant Classification Sherloc (09022015). Collection method: clinical testing. Allele origin: germline.
Comment: This sequence change replaces proline, which is neutral and non-polar, with alanine, which is neutral and non-polar, at codon 1254 of the RTEL1 protein (p.Pro1254Ala). This variant is not present in population databases (gnomAD no frequency). This variant has not been reported in the literature in individuals affected with RTEL1-related conditions. An algorithm developed to predict the effect of missense changes on protein structure and function (PolyPhen-2) suggests that this variant is likely to be tolerated. In summary, the available evidence is currently insufficient to determine the role of this variant in disease. Therefore, it has been classified as a Variant of Uncertain Significance.

NM_001283009.2(RTEL1):c.3760C>G (p.Pro1254Ala)

Genes: RTEL1 (regulator of telomere elongation helicase 1; plus strand), RTEL1-TNFRSF6B (RTEL1-TNFRSF6B readthrough (NMD candidate); plus strand). Cytogenetic location: 20q13.33.
Variant type: single nucleotide variant.
Coding change: c.3760C>G on transcript NM_001283009.2 (MANE Select); coding-DNA position 3760, C replaced by G.
Protein change: p.Pro1254Ala; replaces proline 1254 with alanine.
Molecular consequence: missense variant. On other transcripts: non-coding transcript variant (1), intron variant (3).
Genome position (GRCh38, 1-based): chr20:63,695,588, C>G. VCF-style: chr20-63695588-C-G. GRCh37 (hg19) VCF-style: chr20-62326941-C-G.
Other names: c.2983+108C>G (NM_001283010.1); c.3724+108C>G (NM_032957.5); c.3652+108C>G (NM_016434.4); short protein forms P1254A.
Identifiers: ClinVar variation 3762947 (VCV003762947.2).
Genomic context (GRCh38, chr20:63,695,588, plus strand): 5'-CCGGGCGGGCCCCTCTCAGCAGGCTGTGTGTGCCAGGGCTGTGGGGCAGAGGACGTGGTG[C>G]CCTTCCAGTGCCCTGCCTGTGACTTCCAGCGCTGCCAAGCCTGCTGGCAACGGCACCTTC-3'
Protein context (NP_001269938.1, residues 1244-1264): CQGCGAEDVV[Pro1254Ala]FQCPACDFQR